The following is an entry in ClinVar:

ClinVar aggregate classification (germline): Uncertain significance (1 of 4 stars; one submission).

Conditions:
RASopathy. Also called: Noonan spectrum disorder; rasopathies. Identifiers: Orphanet 536391, MedGen C5555857, MONDO:0021060.

Submission:

Labcorp Genetics (formerly Invitae), Labcorp
Classification: Uncertain significance for RASopathy. Last evaluated: 2024-01-29. Review status: criteria provided, single submitter. Criteria: Invitae Variant Classification Sherloc (09022015). Collection method: clinical testing. Allele origin: unknown.
Comment: This variant results in a copy number gain of the genomic region encompassing exon(s) 1-3 of the MAP2K1 gene. This region includes the initiator codon of the gene. This copy number gain extends beyond the assayed region for this gene and therefore may encompass additional genes. As the precise location of this event is unknown, it may be in tandem or it may be located elsewhere in the genome. This variant has not been reported in the literature in individuals affected with MAP2K1-related conditions. In summary, the available evidence is currently insufficient to determine the role of this variant in disease. Therefore, it has been classified as a Variant of Uncertain Significance.

NC_000015.9:g.(?_66679686)_(66729250_?)dup

Gene: MAP2K1 (mitogen-activated protein kinase kinase 1; plus strand). Cytogenetic location: 15q22.31.
Variant type: Duplication.
Identifiers: ClinVar variation 3243834 (VCV003243834.1).